The following is an entry in ClinVar:

NM_004247.4(EFTUD2):c.769A>G (p.Ile257Val)

Gene: EFTUD2 (elongation factor Tu GTP binding domain containing 2; minus strand). Cytogenetic location: 17q21.31.
Variant type: single nucleotide variant.
Coding change: c.769A>G on transcript NM_004247.4 (MANE Select); coding-DNA position 769, A replaced by G.
Protein change: p.Ile257Val; replaces isoleucine 257 with valine.
Molecular consequence: missense variant.
Genome position (GRCh38, 1-based): chr17:44,876,034, T>C on the plus strand (A>G on the coding strand, the complement: EFTUD2 is on the minus strand). VCF-style: chr17-44876034-T-C. GRCh37 (hg19) VCF-style: chr17-42953402-T-C.
Other names: c.664A>G, p.Ile222Val (NM_001142605.2); c.769A>G, p.Ile257Val (NM_001258353.2); c.739A>G, p.Ile247Val (NM_001258354.2); short protein forms I222V, I247V, I257V.
Identifiers: ClinVar variation 1700344 (VCV001700344.2), dbSNP rs369010652, ClinGen allele CA290995505.

ClinVar aggregate classification (germline): Uncertain significance (1 of 4 stars; one submission).

Allele frequency attached by ClinVar (database versions not stated): gnomAD exomes below 0.00001; TOPMed below 0.00001; ESP Exome Variant Server 0.00008.

Submission:

GeneDx
Classification: Uncertain significance. Last evaluated: 2022-02-08. Review status: criteria provided, single submitter. Criteria: GeneDx Variant Classification Process June 2021. Collection method: clinical testing. Allele origin: germline. Affected: yes.
Comment: Not observed at significant frequency in large population cohorts (gnomAD); In silico analysis supports that this missense variant does not alter protein structure/function; Has not been previously published as pathogenic or benign to our knowledge